The following is an entry in ClinVar:

ClinVar aggregate classification (germline): Benign/Likely benign. Review status: criteria provided, multiple submitters, no conflicts (2 of 4 stars). 2 submissions from 2 submitters: Benign (1); Likely benign (1). Last evaluated 2022-06-14.

Conditions:
Spinocerebellar ataxia type 11 (SCA11). Identifiers: Orphanet 98767, MedGen C1858351, MONDO:0011464, OMIM 604432.

Allele frequency attached by ClinVar (database versions not stated): gnomAD 0.00002 and 0.00005; TOPMed 0.00004; ESP Exome Variant Server 0.00008; gnomAD exomes 0.00014 and 0.00015; 1000 Genomes Project 0.00020; ExAC 0.00020; 1000 Genomes Project 30x 0.00047.
gnomAD v4.1: 218 of 1,614,146 alleles (0.014%); highest among the groups gnomAD compares: South Asian, 0.14%; 3 homozygotes.

Submissions (2):

Department of Pathology and Laboratory Medicine, Sinai Health System
Classification: Likely benign for Spinocerebellar ataxia type 11. Last evaluated: 2022-06-14. Review status: criteria provided, single submitter. Criteria: ACMG Guidelines, 2015. Collection method: research. Allele origin: germline.

Illumina Laboratory Services, Illumina
Classification: Benign for Spinocerebellar ataxia type 11. Last evaluated: 2017-04-27. Review status: criteria provided, single submitter. Criteria: ICSL Variant Classification Criteria 13 December 2019. Collection method: clinical testing. Allele origin: germline.
Comment: This variant was observed as part of a predisposition screen in an ostensibly healthy population. A literature search was performed for the gene, cDNA change, and amino acid change (where applicable). No publications were found based on this search. Allele frequency data from public databases was too high to be consistent with this variant causing disease. Therefore, this variant is classified as benign.

NM_173500.4(TTBK2):c.3517C>T (p.Arg1173Trp)

Gene: TTBK2 (tau tubulin kinase 2; minus strand). Cytogenetic location: 15q15.2.
Variant type: single nucleotide variant.
Coding change: c.3517C>T on transcript NM_173500.4 (MANE Select); coding-DNA position 3517, C replaced by T.
Protein change: p.Arg1173Trp; replaces arginine 1173 with tryptophan.
Molecular consequence: missense variant.
Genome position (GRCh38, 1-based): chr15:42,746,013, G>A on the plus strand (C>T on the coding strand, the complement: TTBK2 is on the minus strand). VCF-style: chr15-42746013-G-A. GRCh37 (hg19) VCF-style: chr15-43038211-G-A.
Other names: short protein forms R1173W.
Identifiers: ClinVar variation 886270 (VCV000886270.5), dbSNP rs373828657, ClinGen allele CA7516558.